The following is an entry in ClinVar:

NM_016247.4(IMPG2):c.1434T>C (p.Val478=)

Gene: IMPG2 (interphotoreceptor matrix proteoglycan 2; minus strand). Cytogenetic location: 3q12.3.
Variant type: single nucleotide variant.
Coding change: c.1434T>C on transcript NM_016247.4 (MANE Select); coding-DNA position 1434, T replaced by C.
Protein change: p.Val478=; no amino-acid change (valine 478 retained).
Molecular consequence: synonymous variant.
Genome position (GRCh38, 1-based): chr3:101,245,911, A>G on the plus strand (T>C on the coding strand, the complement: IMPG2 is on the minus strand). VCF-style: chr3-101245911-A-G. GRCh37 (hg19) VCF-style: chr3-100964755-A-G.
Other names: c.1434T>C (NM_016247.3).
Identifiers: ClinVar variation 1130618 (VCV001130618.11), dbSNP rs199989078, ClinGen allele CA2519165.

ClinVar aggregate classification (germline): Likely benign. Review status: criteria provided, multiple submitters, no conflicts (2 of 4 stars). 3 submissions from 3 submitters: Likely benign (3). Last evaluated 2025-12-20.

Conditions:
IMPG2-related disorder. Also called: IMPG2-related condition.

Allele frequency attached by ClinVar (database versions not stated): TOPMed 0.00005; gnomAD exomes 0.00006 and 0.00003; 1000 Genomes Project 30x 0.00016; 1000 Genomes Project 0.00020; gnomAD 0.00001 and 0.00003; ExAC 0.00005.
gnomAD v4.1: 43 of 1,614,190 alleles (0.0027%); highest among the groups gnomAD compares: Middle Eastern, 0.033%; no homozygotes.

Submissions (3):

Labcorp Genetics (formerly Invitae), Labcorp
Classification: Likely benign. Last evaluated: 2025-12-20. Review status: criteria provided, single submitter. Criteria: Invitae Variant Classification Sherloc (09022015). Collection method: clinical testing. Allele origin: germline.

PreventionGenetics, part of Exact Sciences
Classification: Likely benign for IMPG2-related condition. Last evaluated: 2024-10-25. Review status: criteria provided, single submitter. Criteria: ACMG Guidelines, 2015. Collection method: clinical testing. Allele origin: germline.
Comment: This variant is classified as likely benign based on ACMG/AMP sequence variant interpretation guidelines (Richards et al. 2015 PMID: 25741868, with internal and published modifications).

Blueprint Genetics
Classification: Likely benign. Last evaluated: 2022-06-22. Review status: criteria provided, single submitter. Criteria: ACMG Guidelines, 2015. Collection method: clinical testing. Allele origin: germline.